The following is an entry in ClinVar:

ClinVar aggregate classification (germline): Pathogenic (1 of 4 stars; one submission).

Submission:

Labcorp Genetics (formerly Invitae), Labcorp
Classification: Pathogenic. Last evaluated: 2022-05-12. Review status: criteria provided, single submitter. Criteria: Invitae Variant Classification Sherloc (09022015). Collection method: clinical testing. Allele origin: germline.
Comment: This sequence change creates a premature translational stop signal (p.Ser121Profs*28) in the POLE gene. It is expected to result in an absent or disrupted protein product. Loss-of-function variants in POLE are known to be pathogenic (PMID: 23230001, 25948378, 30503519). This variant is not present in population databases (gnomAD no frequency). This variant has not been reported in the literature in individuals affected with POLE-related conditions. ClinVar contains an entry for this variant (Variation ID: 960284). For these reasons, this variant has been classified as Pathogenic.

Literature cited by the submitters: PubMed 23230001; PubMed 25948378; PubMed 30503519.

NM_006231.4(POLE):c.361del (p.Ser121fs)

Gene: POLE (DNA polymerase epsilon, catalytic subunit; minus strand). Cytogenetic location: 12q24.33.
Variant type: Deletion.
Coding change: c.361del on transcript NM_006231.4 (MANE Select); coding-DNA position 361, one base deleted (T; older notation c.361delT).
Protein change: p.Ser121fs; shifts the reading frame from serine 121.
Molecular consequence: frameshift variant.
Genome position (GRCh38, 1-based): chr12:132,680,016, A deleted on the plus strand (T on the coding strand, the reverse complement: POLE is on the minus strand). VCF-style (leftmost placement, unchanged base first): chr12-132680015-GA-G. GRCh37 (hg19) VCF-style: chr12-133256601-GA-G.
Other names: short protein forms S121fs.
Identifiers: ClinVar variation 960284 (VCV000960284.9), dbSNP rs2043134514, ClinGen allele CA1139662989.